The following is an entry in ClinVar:

NM_138395.4(MARS2):c.770G>C (p.Arg257Pro)

Gene: MARS2 (methionyl-tRNA synthetase 2, mitochondrial; plus strand). Cytogenetic location: 2q33.1.
Variant type: single nucleotide variant.
Coding change: c.770G>C on transcript NM_138395.4 (MANE Select); coding-DNA position 770, G replaced by C.
Protein change: p.Arg257Pro; replaces arginine 257 with proline.
Molecular consequence: missense variant.
Genome position (GRCh38, 1-based): chr2:197,706,175, G>C. VCF-style: chr2-197706175-G-C. GRCh37 (hg19) VCF-style: chr2-198570899-G-C.
Other names: short protein forms R257P.
Identifiers: ClinVar variation 1974184 (VCV001974184.5), dbSNP rs2468941457, ClinGen allele CA350213049.
Genomic context (GRCh38, chr2:197,706,175, plus strand): 5'-CATTTCATCACGTAGTTCTTCAGTGGCTGGACGAGGAGCTGCCCGACCTGTCCGTGTCTC[G>C]CAGAAGTAGCCACTTGCACTGGGGCATTCCGGTGCCCGGGGATGATTCGCAGACCATCTA-3'
Protein context (NP_612404.1, residues 247-267): DEELPDLSVS[Arg257Pro]RSSHLHWGIP

ClinVar aggregate classification (germline): Uncertain significance (1 of 4 stars; one submission).

gnomAD v4.1: 2 of 1,614,164 alleles (0.00012%); highest among the groups gnomAD compares: South Asian, 0.0011%; no homozygotes.

Submission:

Labcorp Genetics (formerly Invitae), Labcorp
Classification: Uncertain significance. Last evaluated: 2023-10-13. Review status: criteria provided, single submitter. Criteria: Invitae Variant Classification Sherloc (09022015). Collection method: clinical testing. Allele origin: germline.
Comment: This sequence change replaces arginine, which is basic and polar, with proline, which is neutral and non-polar, at codon 257 of the MARS2 protein (p.Arg257Pro). This variant is not present in population databases (gnomAD no frequency). This variant has not been reported in the literature in individuals affected with MARS2-related conditions. ClinVar contains an entry for this variant (Variation ID: 1974184). Advanced modeling of protein sequence and biophysical properties (such as structural, functional, and spatial information, amino acid conservation, physicochemical variation, residue mobility, and thermodynamic stability) performed at Invitae indicates that this missense variant is expected to disrupt MARS2 protein function. In summary, the available evidence is currently insufficient to determine the role of this variant in disease. Therefore, it has been classified as a Variant of Uncertain Significance.